The following is an entry in ClinVar:

ClinVar aggregate classification (germline): Uncertain significance. Review status: criteria provided, multiple submitters, no conflicts (2 of 4 stars). 3 submissions from 3 submitters: Uncertain significance (3). Last evaluated 2025-02-03.

Allele frequency attached by ClinVar (database versions not stated): gnomAD 0.00001; ExAC 0.00003; gnomAD exomes 0.00003; TOPMed 0.00004.

Submissions (3):

Labcorp Genetics (formerly Invitae), Labcorp
Classification: Uncertain significance. Last evaluated: 2025-02-03. Review status: criteria provided, single submitter. Criteria: Invitae Variant Classification Sherloc (09022015). Collection method: clinical testing. Allele origin: germline.
Comment: This sequence change replaces proline, which is neutral and non-polar, with serine, which is neutral and polar, at codon 359 of the IRF2BP2 protein (p.Pro359Ser). This variant is present in population databases (rs771418796, gnomAD 0.01%). This variant has not been reported in the literature in individuals affected with IRF2BP2-related conditions. ClinVar contains an entry for this variant (Variation ID: 1365158). An algorithm developed to predict the effect of missense changes on protein structure and function (PolyPhen-2) suggests that this variant is likely to be disruptive. In summary, the available evidence is currently insufficient to determine the role of this variant in disease. Therefore, it has been classified as a Variant of Uncertain Significance.

Ambry Genetics
Classification: Uncertain significance. Last evaluated: 2024-05-12. Review status: criteria provided, single submitter. Criteria: Ambry Variant Classification Scheme 2023. Collection method: clinical testing. Allele origin: germline.

Breakthrough Genomics
Classification: Uncertain significance. Review status: criteria provided, single submitter. Criteria: ACMG Guidelines, 2015. Collection method: not provided. Allele origin: germline. Inheritance: Autosomal dominant inheritance. Affected: yes.

NM_182972.3(IRF2BP2):c.1075C>T (p.Pro359Ser)

Gene: IRF2BP2 (interferon regulatory factor 2 binding protein 2; minus strand). Cytogenetic location: 1q42.3.
Variant type: single nucleotide variant.
Coding change: c.1075C>T on transcript NM_182972.3 (MANE Select); coding-DNA position 1075, C replaced by T.
Protein change: p.Pro359Ser; replaces proline 359 with serine.
Molecular consequence: missense variant.
Genome position (GRCh38, 1-based): chr1:234,607,826, G>A on the plus strand (C>T on the coding strand, the complement: IRF2BP2 is on the minus strand). VCF-style: chr1-234607826-G-A. GRCh37 (hg19) VCF-style: chr1-234743572-G-A.
Other names: c.1027C>T, p.Pro343Ser (NM_001077397.1); c.1075C>T (NM_182972.2); short protein forms P343S, P359S.
Identifiers: ClinVar variation 1365158 (VCV001365158.10), dbSNP rs771418796, ClinGen allele CA1461647.